The following is an entry in ClinVar:

NM_005035.4(POLRMT):c.1837C>T (p.Arg613Cys)

Gene: POLRMT (RNA polymerase mitochondrial; minus strand). Cytogenetic location: 19p13.3.
Variant type: single nucleotide variant.
Coding change: c.1837C>T on transcript NM_005035.4 (MANE Select); coding-DNA position 1837, C replaced by T.
Protein change: p.Arg613Cys; replaces arginine 613 with cysteine.
Molecular consequence: missense variant. On other transcripts: non-coding transcript variant (1), intron variant (2).
Genome position (GRCh38, 1-based): chr19:622,163, G>A on the plus strand (C>T on the coding strand, the complement: POLRMT is on the minus strand). VCF-style: chr19-622163-G-A. GRCh37 (hg19) VCF-style: chr19-622163-G-A.
Other names: c.1837C>T, p.Arg613Cys (NM_001407805.1, NM_001407808.1, NM_001407812.1 and 4 more transcripts); c.1828C>T, p.Arg610Cys (NM_001407806.1, NM_001407809.1); c.1825C>T, p.Arg609Cys (NM_001407807.1, NM_001407810.1); c.1795C>T, p.Arg599Cys (NM_001407811.1, NM_001407813.1); c.1627-317C>T (NM_001407832.1, NM_001407830.1); c.1513C>T, p.Arg505Cys (NM_001407831.1, NM_001407833.1, NM_001407835.1 and 1 more transcripts); c.1504C>T, p.Arg502Cys (NM_001407834.1); short protein forms R599C, R609C, R502C, R505C, R613C, R610C.
Identifiers: ClinVar variation 2540869 (VCV002540869.9), dbSNP rs773064014, ClinGen allele CA9020153.

ClinVar aggregate classification (germline): Conflicting classifications of pathogenicity. Review status: criteria provided, conflicting classifications (1 of 4 stars). 2 submissions from 2 submitters: Uncertain significance (1); Likely benign (1). Last evaluated 2026-05-01.

Allele frequency attached by ClinVar (database versions not stated): TOPMed 0.00006; gnomAD exomes 0.00007; gnomAD 0.00013; ExAC 0.00017.

Submissions (2):

CeGaT Center for Human Genetics Tuebingen
Classification: Likely benign. Last evaluated: 2026-05-01. Review status: criteria provided, single submitter. Criteria: CeGaT Center For Human Genetics Tuebingen Variant Classification Criteria Version 2. Collection method: clinical testing. Allele origin: germline. Affected: yes. Observed: 2 variant alleles.
Comment: POLRMT: BP4

Ambry Genetics
Classification: Uncertain significance. Last evaluated: 2025-07-14. Review status: criteria provided, single submitter. Criteria: Ambry Variant Classification Scheme 2023. Collection method: clinical testing. Allele origin: germline.